The following is an entry in ClinVar:

NM_004006.3(DMD):c.10699C>T (p.Gln3567Ter)

Gene: DMD (dystrophin; minus strand). Cytogenetic location: Xp21.2.
Variant type: single nucleotide variant.
Coding change: c.10699C>T on transcript NM_004006.3 (MANE Select); coding-DNA position 10699, C replaced by T.
Protein change: p.Gln3567Ter; replaces glutamine 3567 with a stop codon.
Molecular consequence: nonsense.
Genome position (GRCh38, 1-based): chrX:31,147,373, G>A on the plus strand (C>T on the coding strand, the complement: DMD is on the minus strand). VCF-style: chrX-31147373-G-A. GRCh37 (hg19) VCF-style: chrX-31165490-G-A.
Other names: c.10675C>T, p.Gln3559Ter (NM_000109.4); c.10687C>T, p.Gln3563Ter (NM_004009.3); c.10330C>T, p.Gln3444Ter (NM_004010.3); c.6676C>T, p.Gln2226Ter (NM_004011.4); c.6667C>T, p.Gln2223Ter (NM_004012.4); c.3319C>T, p.Gln1107Ter (NM_004013.3, NM_004021.3); c.2512C>T, p.Gln838Ter (NM_004014.3); c.1495C>T, p.Gln499Ter (NM_004015.3, NM_004016.3); and 3 more; short protein forms Q1094*, Q1107*, Q2223*, Q2226*, Q3444*, Q3559*, Q3563*, Q3567*.
Identifiers: ClinVar variation 984095 (VCV000984095.4), dbSNP rs2036842297, ClinGen allele CA412649205.
Genomic context (GRCh38, chrX:31,147,373, plus strand): 5'-CCAGCTGTTTATTGTGGTCTTCCAGGATTTGCATCCTGGCTTCCAGGCGGCCTTTGTGTT[G>A]ACGCAGTAGCTTGGCCTCAGCAATGAGCTCAGCATCCCGGGGACTCTGGGGAGAGGTGGG-3'

ClinVar aggregate classification (germline): Likely pathogenic (1 of 4 stars; one submission).

Conditions:
Progressive muscular dystrophy. Identifiers: Orphanet 206644, MedGen C4551827, MONDO:0016106.

Submission:

Myriad Genetics, Inc.
Classification: Likely pathogenic for Progressive muscular dystrophy. Last evaluated: 2019-09-30. Review status: criteria provided, single submitter. Criteria: Myriad Autosomal Dominant, Autosomal Recessive and X-Linked Classification Criteria (2023). Collection method: clinical testing. Allele origin: unknown.
Comment: NM_004006.2(DMD):c.10699C>T(Q3567*) is expected to be pathogenic in the context of dystrophinopathy (including Duchenne/Becker muscular dystrophy). This variant is predicted to lead to an abnormal or absent protein product due to the creation of a premature termination codon in DMD, a gene where loss-of-function variants are known to be pathogenic. Please note: this variant was assessed in the context of healthy population screening.